The following is an entry in ClinVar:

ClinVar aggregate classification (germline): Uncertain significance (1 of 4 stars; one submission).

Conditions:
Neuronal ceroid lipofuscinosis. Also called: Neuronal Ceroid Lipofuscinoses. Identifiers: Orphanet 216, Orphanet 79263, MedGen C0027877, MONDO:0016295. Disease mechanism: loss of function.

Allele frequency attached by ClinVar (database versions not stated): TOPMed below 0.00001; ExAC 0.00001; gnomAD exomes 0.00001.
gnomAD v4.1: 16 of 1,612,200 alleles (0.00099%); highest among the groups gnomAD compares: Non-Finnish European, 0.0012%; no homozygotes.

Submission:

Labcorp Genetics (formerly Invitae), Labcorp
Classification: Uncertain significance for Neuronal ceroid lipofuscinosis. Last evaluated: 2024-07-01. Review status: criteria provided, single submitter. Criteria: Invitae Variant Classification Sherloc (09022015). Collection method: clinical testing. Allele origin: germline.
Comment: This sequence change replaces leucine, which is neutral and non-polar, with valine, which is neutral and non-polar, at codon 67 of the CLN6 protein (p.Leu67Val). This variant is present in population databases (rs759935979, gnomAD 0.002%). This variant has not been reported in the literature in individuals affected with CLN6-related conditions. ClinVar contains an entry for this variant (Variation ID: 1051845). An algorithm developed to predict the effect of missense changes on protein structure and function (PolyPhen-2) suggests that this variant¬†is likely to be tolerated. In summary, the available evidence is currently insufficient to determine the role of this variant in disease. Therefore, it has been classified as a Variant of Uncertain Significance.

NM_017882.3(CLN6):c.199C>G (p.Leu67Val)

Gene: CLN6 (CLN6 transmembrane ER protein; minus strand). Cytogenetic location: 15q23.
Variant type: single nucleotide variant.
Coding change: c.199C>G on transcript NM_017882.3 (MANE Select); coding-DNA position 199, C replaced by G.
Protein change: p.Leu67Val; replaces leucine 67 with valine.
Molecular consequence: missense variant.
Genome position (GRCh38, 1-based): chr15:68,214,388, G>C on the plus strand (C>G on the coding strand, the complement: CLN6 is on the minus strand). VCF-style: chr15-68214388-G-C. GRCh37 (hg19) VCF-style: chr15-68506726-G-C.
Other names: short protein forms L67V.
Identifiers: ClinVar variation 1051845 (VCV001051845.3), dbSNP rs759935979, ClinGen allele CA7630668.